The following is an entry in ClinVar:

ClinVar aggregate classification (germline): Uncertain significance. Review status: criteria provided, multiple submitters, no conflicts (2 of 4 stars). 2 submissions from 2 submitters: Uncertain significance (2). Last evaluated 2023-03-01.

Allele frequency attached by ClinVar (database versions not stated): ExAC 0.00001; gnomAD exomes 0.00001.
gnomAD v4.1: 19 of 1,613,992 alleles (0.0012%); highest among the groups gnomAD compares: Non-Finnish European, 0.0016%; no homozygotes.

Submissions (2):

CeGaT Center for Human Genetics Tuebingen
Classification: Uncertain significance. Last evaluated: 2023-03-01. Review status: criteria provided, single submitter. Criteria: CeGaT Center For Human Genetics Tuebingen Variant Classification Criteria Version 2. Collection method: clinical testing. Allele origin: germline. Affected: yes. Observed: 1 variant allele.
Comment: MYLK2: PM2, BP4

Ambry Genetics
Classification: Uncertain significance. Last evaluated: 2021-11-14. Review status: criteria provided, single submitter. Criteria: Ambry Variant Classification Scheme 2023. Collection method: clinical testing. Allele origin: germline.
Comment: The p.T49I variant (also known as c.146C>T), located in coding exon 2 of the MYLK2 gene, results from a C to T substitution at nucleotide position 146. The threonine at codon 49 is replaced by isoleucine, an amino acid with similar properties. This amino acid position is conserved. In addition, this alteration is predicted to be tolerated by in silico analysis. Since supporting evidence is limited at this time, the clinical significance of this alteration remains unclear.

NM_033118.4(MYLK2):c.146C>T (p.Thr49Ile)

Gene: MYLK2 (myosin light chain kinase 2; plus strand). Cytogenetic location: 20q11.21.
Variant type: single nucleotide variant.
Coding change: c.146C>T on transcript NM_033118.4 (MANE Select); coding-DNA position 146, C replaced by T.
Protein change: p.Thr49Ile; replaces threonine 49 with isoleucine.
Molecular consequence: missense variant.
Genome position (GRCh38, 1-based): chr20:31,820,219, C>T. VCF-style: chr20-31820219-C-T. GRCh37 (hg19) VCF-style: chr20-30408022-C-T.
Other names: short protein forms T49I.
Identifiers: ClinVar variation 1773331 (VCV001773331.26), dbSNP rs776859238, ClinGen allele CA9802848.